The following is an entry in ClinVar:

ClinVar aggregate classification (germline): Pathogenic. Review status: criteria provided, multiple submitters, no conflicts (2 of 4 stars). 2 submissions from 2 submitters: Pathogenic (2). Last evaluated 2025-07-01.

Conditions:
Hereditary spastic paraplegia 4. Also called: Spastic paraplegia 4, autosomal dominant; Familial spastic paraplegia autosomal dominant 2; Spastic Paraplegia 4. Identifiers: Orphanet 100985, MedGen C1866855, MONDO:0008438, OMIM 182601.

Submissions (2):

Neurology Department, Peking University First Hospital
Classification: Pathogenic for Hereditary spastic paraplegia 4. Last evaluated: 2025-07-01. Review status: criteria provided, single submitter. Criteria: ACMG Guidelines, 2015. Collection method: clinical testing. Allele origin: germline. Inheritance: Autosomal dominant inheritance. Affected: yes. Observed: 4 variant alleles.
Comment: PS4+PM1+PM2+PM5+PP1+PP3

Labcorp Genetics (formerly Invitae), Labcorp
Classification: Pathogenic for Hereditary spastic paraplegia 4. Last evaluated: 2024-01-24. Review status: criteria provided, single submitter. Criteria: Invitae Variant Classification Sherloc (09022015). Collection method: clinical testing. Allele origin: germline.
Comment: This sequence change replaces serine, which is neutral and polar, with tryptophan, which is neutral and slightly polar, at codon 399 of the SPAST protein (p.Ser399Trp). This variant is not present in population databases (gnomAD no frequency). This missense change has been observed in individuals with hereditary spastic paraplegia (PMID: 33179235; Invitae). It has also been observed to segregate with disease in related individuals. ClinVar contains an entry for this variant (Variation ID: 468561). Advanced modeling of protein sequence and biophysical properties (such as structural, functional, and spatial information, amino acid conservation, physicochemical variation, residue mobility, and thermodynamic stability) performed at Invitae indicates that this missense variant is expected to disrupt SPAST protein function with a positive predictive value of 80%. This variant disrupts the p.Ser399 amino acid residue in SPAST. Other variant(s) that disrupt this residue have been determined to be pathogenic (PMID: 11843700, 16832076, 19875132, 22960362, 29980238). This suggests that this residue is clinically significant, and that variants that disrupt this residue are likely to be disease-causing. For these reasons, this variant has been classified as Pathogenic.

Literature cited by the submitters: PubMed 33179235 (cited by Labcorp Genetics (formerly Invitae), Labcorp); PubMed 11843700 (cited by Labcorp Genetics (formerly Invitae), Labcorp); PubMed 16832076 (cited by Labcorp Genetics (formerly Invitae), Labcorp); PubMed 19875132 (cited by Labcorp Genetics (formerly Invitae), Labcorp); PubMed 22960362 (cited by Labcorp Genetics (formerly Invitae), Labcorp); PubMed 29980238 (cited by Labcorp Genetics (formerly Invitae), Labcorp).

NM_014946.4(SPAST):c.1196C>G (p.Ser399Trp)

Gene: SPAST (spastin; plus strand). Cytogenetic location: 2p22.3.
Variant type: single nucleotide variant.
Coding change: c.1196C>G on transcript NM_014946.4 (MANE Select); coding-DNA position 1196, C replaced by G.
Protein change: p.Ser399Trp; replaces serine 399 with tryptophan.
Molecular consequence: missense variant.
Genome position (GRCh38, 1-based): chr2:32,128,430, C>G. VCF-style: chr2-32128430-C-G. GRCh37 (hg19) VCF-style: chr2-32353499-C-G.
Other names: c.1193C>G, p.Ser398Trp (NM_001363823.2); c.1097C>G, p.Ser366Trp (NM_001363875.2); c.1100C>G, p.Ser367Trp (NM_001377959.1, NM_199436.2); short protein forms S399W, S367W, S366W, S398W.
Identifiers: ClinVar variation 468561 (VCV000468561.8), dbSNP rs1553317025, ClinGen allele CA346501409.